The following is an entry in ClinVar:

ClinVar aggregate classification (germline): Likely pathogenic (1 of 4 stars; one submission).

Submission:

Labcorp Genetics (formerly Invitae), Labcorp
Classification: Likely pathogenic. Last evaluated: 2023-09-08. Review status: criteria provided, single submitter. Criteria: Invitae Variant Classification Sherloc (09022015). Collection method: clinical testing. Allele origin: germline.
Comment: This sequence change affects a donor splice site in intron 5 of the FRAS1 gene. It is expected to disrupt RNA splicing. Variants that disrupt the donor or acceptor splice site typically lead to a loss of protein function (PMID: 16199547), and loss-of-function variants in FRAS1 are known to be pathogenic (PMID: 12766769, 18671281). In summary, the currently available evidence indicates that the variant is pathogenic, but additional data are needed to prove that conclusively. Therefore, this variant has been classified as Likely Pathogenic. Algorithms developed to predict the effect of sequence changes on RNA splicing suggest that this variant may disrupt the consensus splice site. This variant has not been reported in the literature in individuals affected with FRAS1-related conditions. This variant is not present in population databases (gnomAD no frequency).

Literature cited by the submitters: PubMed 16199547; PubMed 12766769; PubMed 18671281.

NM_025074.7(FRAS1):c.469+1G>A

Gene: FRAS1 (Fraser extracellular matrix complex subunit 1; plus strand). Cytogenetic location: 4q21.21.
Variant type: single nucleotide variant.
Coding change: c.469+1G>A on transcript NM_025074.7 (MANE Select); the canonical splice donor site of the intron after coding-DNA position 469, G replaced by A.
Molecular consequence: splice donor variant.
Genome position (GRCh38, 1-based): chr4:78,252,552, G>A. VCF-style: chr4-78252552-G-A. GRCh37 (hg19) VCF-style: chr4-79173706-G-A.
Other names: c.469+1G>A (NM_001166133.2).
Identifiers: ClinVar variation 2960746 (VCV002960746.4), dbSNP rs2476513919, ClinGen allele CA357352302.